The following is an entry in ClinVar:

NM_000111.3(SLC26A3):c.464C>T (p.Thr155Ile)

Gene: SLC26A3 (solute carrier family 26 member 3; minus strand). Cytogenetic location: 7q22.3.
Variant type: single nucleotide variant.
Coding change: c.464C>T on transcript NM_000111.3 (MANE Select); coding-DNA position 464, C replaced by T.
Protein change: p.Thr155Ile; replaces threonine 155 with isoleucine.
Molecular consequence: missense variant.
Genome position (GRCh38, 1-based): chr7:107,791,154, G>A on the plus strand (C>T on the coding strand, the complement: SLC26A3 is on the minus strand). VCF-style: chr7-107791154-G-A. GRCh37 (hg19) VCF-style: chr7-107431599-G-A.
Other names: short protein forms T155I.
Identifiers: ClinVar variation 2178302 (VCV002178302.4), dbSNP rs532228172, ClinGen allele CA4434119.

ClinVar aggregate classification (germline): Uncertain significance. Review status: criteria provided, multiple submitters, no conflicts (2 of 4 stars). 2 submissions from 2 submitters: Uncertain significance (2). Last evaluated 2025-06-12.

Conditions:
Inborn genetic diseases. Identifiers: MedGen C0950123, MeSH D030342.

Allele frequency attached by ClinVar (database versions not stated): ExAC 0.00014; 1000 Genomes Project 0.00020; gnomAD 0.00007; gnomAD exomes 0.00012; 1000 Genomes Project 30x 0.00016.
gnomAD v4.1: 186 of 1,614,168 alleles (0.012%); highest among the groups gnomAD compares: South Asian, 0.063%; 1 homozygote.

Submissions (2):

Ambry Genetics
Classification: Uncertain significance for Inborn genetic diseases. Last evaluated: 2025-06-12. Review status: criteria provided, single submitter. Criteria: Ambry Variant Classification Scheme 2023. Collection method: clinical testing. Allele origin: germline.

Labcorp Genetics (formerly Invitae), Labcorp
Classification: Uncertain significance. Last evaluated: 2022-03-16. Review status: criteria provided, single submitter. Criteria: Invitae Variant Classification Sherloc (09022015). Collection method: clinical testing. Allele origin: germline.
Comment: This sequence change replaces threonine, which is neutral and polar, with isoleucine, which is neutral and non-polar, at codon 155 of the SLC26A3 protein (p.Thr155Ile). This variant is present in population databases (rs532228172, gnomAD 0.05%). This variant has not been reported in the literature in individuals affected with SLC26A3-related conditions. Advanced modeling of protein sequence and biophysical properties (such as structural, functional, and spatial information, amino acid conservation, physicochemical variation, residue mobility, and thermodynamic stability) performed at Invitae indicates that this missense variant is not expected to disrupt SLC26A3 protein function. In summary, the available evidence is currently insufficient to determine the role of this variant in disease. Therefore, it has been classified as a Variant of Uncertain Significance.